The following is an entry in ClinVar:

NM_006019.4(TCIRG1):c.1623G>A (p.Leu541=)

Gene: TCIRG1 (T cell immune regulator 1, ATPase H+ transporting V0 subunit a3; plus strand). Cytogenetic location: 11q13.2.
Variant type: single nucleotide variant.
Coding change: c.1623G>A on transcript NM_006019.4 (MANE Select); coding-DNA position 1623, G replaced by A.
Protein change: p.Leu541=; no amino-acid change (leucine 541 retained).
Molecular consequence: synonymous variant.
Genome position (GRCh38, 1-based): chr11:68,048,947, G>A. VCF-style: chr11-68048947-G-A. GRCh37 (hg19) VCF-style: chr11-67816414-G-A.
Other names: p.Leu541=; c.729G>A, p.Leu243= (NM_001351059.2); c.975G>A, p.Leu325= (NM_006053.4).
Identifiers: ClinVar variation 594698 (VCV000594698.16), dbSNP rs534950651, ClinGen allele CA6147204.

ClinVar aggregate classification (germline): Conflicting classifications of pathogenicity. Review status: criteria provided, conflicting classifications (1 of 4 stars). 4 submissions from 4 submitters: Uncertain significance (1); Likely benign (2). 1 of the submissions does not count toward it. Last evaluated 2025-12-30.

Conditions:
Autosomal recessive osteopetrosis 1. Also called: TCIRG1-Related Autosomal Recessive Osteopetrosis; ALBERS-SCHONBERG DISEASE, AUTOSOMAL RECESSIVE; TCIRG1-Related Osteopetrosis. Identifiers: Orphanet 667, MedGen C1850127, MONDO:0009815, OMIM 259700.

Allele frequency attached by ClinVar (database versions not stated): gnomAD below 0.00001 and 0.00003; 1000 Genomes Project 30x 0.00016; 1000 Genomes Project 0.00020.

Submissions (4):

Labcorp Genetics (formerly Invitae), Labcorp
Classification: Likely benign. Last evaluated: 2025-12-30. Review status: criteria provided, single submitter. Criteria: Invitae Variant Classification Sherloc (09022015). Collection method: clinical testing. Allele origin: germline.

Mayo Clinic Laboratories, Mayo Clinic
Classification: Likely benign. Last evaluated: 2025-09-17. Review status: criteria provided, single submitter. Criteria: ACMG Guidelines, 2015. Collection method: clinical testing. Allele origin: germline. Observed: 1 variant allele.
Comment: BS1, BP4, BP7

Eurofins Ntd Llc (ga)
Classification: Uncertain significance. Last evaluated: 2017-11-07. Review status: criteria provided, single submitter. Criteria: EGL Classification Definitions 2015. Collection method: clinical testing. Allele origin: germline. Observed: 1 variant allele, 1 heterozygote.

Natera, Inc.
Classification: Uncertain significance for Infantile malignant osteopetrosis. Last evaluated: 2020-04-16. Review status: no assertion criteria provided. Collection method: clinical testing. Allele origin: germline. Not counted in ClinVar's aggregate classification.